The following is an entry in ClinVar:

ClinVar aggregate classification (germline): Likely benign (0 of 4 stars; one submission).

Conditions:
AP3B2-related disorder. Also called: AP3B2-related condition.

Submission:

PreventionGenetics, part of Exact Sciences
Classification: Likely benign for AP3B2-related condition. Last evaluated: 2019-06-04. Review status: no assertion criteria provided. Collection method: clinical testing. Allele origin: germline.
Comment: This variant is classified as likely benign based on ACMG/AMP sequence variant interpretation guidelines (Richards et al. 2015 PMID: 25741868, with internal and published modifications).

NM_001278512.2(AP3B2):c.2220A>G (p.Glu740=)

Genes: AP3B2 (adaptor related protein complex 3 subunit beta 2; minus strand), CPEB1-AS1 (CPEB1 antisense RNA 1; plus strand). Cytogenetic location: 15q25.2.
Variant type: single nucleotide variant.
Coding change: c.2220A>G on transcript NM_001278512.2 (MANE Select); coding-DNA position 2220, A replaced by G.
Protein change: p.Glu740=; no amino-acid change (glutamic acid 740 retained).
Molecular consequence: synonymous variant.
Genome position (GRCh38, 1-based): chr15:82,664,408, T>C on the plus strand (A>G on the coding strand, the complement: AP3B2 is on the minus strand). VCF-style: chr15-82664408-T-C. GRCh37 (hg19) VCF-style: chr15-83333160-T-C.
Other names: c.2067A>G, p.Glu689= (NM_001278511.2); c.2163A>G, p.Glu721= (NM_004644.5).
Identifiers: ClinVar variation 3044709 (VCV003044709.2), dbSNP rs1212632655, ClinGen allele CA491784307.
Genomic context (GRCh38, chr15:82,664,408, plus strand): 5'-TGGCTAGCTCCCTTCTCACCTCTCACTGCCTCTCCCTTTCTCCTCATCCTCATCCTGGTC[T>C]TCATTGTCGGACTCACTGCTGGACTCCCCAGAGCCGCTCTCACTGCTGCTCTTACTGTCC-3'
Protein context (NP_001265441.1, residues 730-750): SGESSSESDN[Glu740=]DQDEDEEKGR